The following is an entry in ClinVar:

Single allele

Genes: SLCO1B1 (solute carrier organic anion transporter family member 1B1; plus strand), SLCO1B3 (solute carrier organic anion transporter family member 1B3; plus strand), SLCO1B3-SLCO1B7 (SLCO1B3-SLCO1B7 readthrough; plus strand), SLCO1B7 (solute carrier organic anion transporter family member 1B7 (putative); plus strand), LOC126861478 (P300/CBP strongly-dependent group 1 enhancer GRCh37_chr12:21226346-21227545; plus strand) and 1 more. Cytogenetic location: 12p12.2-12.1.
Variant type: Deletion.
Identifiers: ClinVar variation 4820241 (VCV004820241.1).

ClinVar aggregate classification (germline): Pathogenic (1 of 4 stars; one submission).

Conditions:
Rotor syndrome (HBLRR). Also called: HYPERBILIRUBINEMIA, ROTOR TYPE, DIGENIC; HYPERBILIRUBINEMIA, ROTOR TYPE. Identifiers: Orphanet 3111, MedGen C0220991, MONDO:0009379, OMIM 237450.

Submission:

Mendelics
Classification: Pathogenic for Rotor syndrome. Last evaluated: 2026-03-28. Review status: criteria provided, single submitter. Criteria: ACMG Guidelines, 2015. Collection method: clinical testing. Allele origin: unknown.